The following is an entry in ClinVar:

ClinVar aggregate classification (germline): Conflicting classifications of pathogenicity. Review status: criteria provided, conflicting classifications (1 of 4 stars). 4 submissions from 4 submitters: Uncertain significance (1); Benign (1); Likely benign (1). 1 of the submissions does not count toward it. Last evaluated 2026-01-15.

Conditions:
ACE-related disorder. Also called: ACE-related condition; ACE-related disorders.
Renal tubular dysgenesis. Also called: Renotubular dysgenesis. Identifiers: Orphanet 3033, MedGen C0266313, MONDO:0017609, HP:0008660.

Allele frequency attached by ClinVar (database versions not stated): gnomAD 0.00131 and 0.00147; TOPMed 0.00132; ExAC 0.00137; 1000 Genomes Project 30x 0.00031; 1000 Genomes Project 0.00040; ESP Exome Variant Server 0.00138; gnomAD exomes 0.00145.
gnomAD v4.1: 1,873 of 1,608,742 alleles (0.12%); highest among the groups gnomAD compares: Non-Finnish European, 0.085%; 5 homozygotes.

Submissions (4):

Labcorp Genetics (formerly Invitae), Labcorp
Classification: Benign. Last evaluated: 2026-01-15. Review status: criteria provided, single submitter. Criteria: Invitae Variant Classification Sherloc (09022015). Collection method: clinical testing. Allele origin: germline.

Blueprint Genetics
Classification: Likely benign. Last evaluated: 2024-09-24. Review status: criteria provided, single submitter. Criteria: ACMG Guidelines, 2015. Collection method: clinical testing. Allele origin: germline.

Illumina Laboratory Services, Illumina
Classification: Uncertain significance for Renal tubular dysgenesis of genetic origin. Last evaluated: 2018-01-12. Review status: criteria provided, single submitter. Criteria: ICSL Variant Classification Criteria 13 December 2019. Collection method: clinical testing. Allele origin: germline.

PreventionGenetics, part of Exact Sciences
Classification: Benign for ACE-related condition. Last evaluated: 2022-04-27. Review status: no assertion criteria provided. Collection method: clinical testing. Allele origin: germline. Not counted in ClinVar's aggregate classification.
Comment: This variant is classified as benign based on ACMG/AMP sequence variant interpretation guidelines (Richards et al. 2015 PMID: 25741868, with internal and published modifications).

NM_000789.4(ACE):c.1872C>T (p.Pro624=)

Gene: ACE (angiotensin I converting enzyme; plus strand). Cytogenetic location: 17q23.3.
Variant type: single nucleotide variant.
Coding change: c.1872C>T on transcript NM_000789.4 (MANE Select); coding-DNA position 1872, C replaced by T.
Protein change: p.Pro624=; no amino-acid change (proline 624 retained).
Molecular consequence: synonymous variant.
Genome position (GRCh38, 1-based): chr17:63,484,492, C>T. VCF-style: chr17-63484492-C-T. GRCh37 (hg19) VCF-style: chr17-61561853-C-T.
Identifiers: ClinVar variation 324388 (VCV000324388.18), dbSNP rs138812566, ClinGen allele CA8699713.